The following is an entry in ClinVar:

ClinVar aggregate classification (germline): Conflicting classifications of pathogenicity. Review status: criteria provided, conflicting classifications (1 of 4 stars). 4 submissions from 4 submitters: Pathogenic (1); Uncertain significance (2). 1 of the submissions does not count toward it. Last evaluated 2023-11-22.

Conditions:
Spastic paraplegia 84, autosomal recessive (SPG84). Identifiers: Orphanet 631079, MedGen C5562025, MONDO:0030482, OMIM 619621.

Allele frequency attached by ClinVar (database versions not stated): ESP Exome Variant Server 0.00008; gnomAD 0.00013; 1000 Genomes Project 30x 0.00016; ExAC 0.00018; gnomAD exomes 0.00018 and 0.00025; 1000 Genomes Project 0.00020; TOPMed 0.00024.
gnomAD v4.1: 377 of 1,613,446 alleles (0.023%); highest among the groups gnomAD compares: Admixed American, 0.043%; no homozygotes.

Submissions (4):

GeneDx
Classification: Uncertain significance. Last evaluated: 2023-11-22. Review status: criteria provided, single submitter. Criteria: GeneDx Variant Classification Process June 2021. Collection method: clinical testing. Allele origin: germline. Affected: yes.
Comment: In silico analysis supports that this missense variant does not alter protein structure/function; This variant is associated with the following publications: (PMID: 34415322)

Women's Health and Genetics/Laboratory Corporation of America, LabCorp
Classification: Uncertain significance. Last evaluated: 2023-11-22. Review status: criteria provided, single submitter. Criteria: LabCorp Variant Classification Summary - May 2015. Collection method: clinical testing. Allele origin: germline.
Comment: Variant summary: PI4KA c.4666G>A (p.Val1556Met) results in a conservative amino acid change located in the phosphoinositide 3-kinase, accessory (PIK) domain (IPR001263) of the encoded protein sequence. Two of four in-silico tools predict a benign effect of the variant on protein function. The variant allele was found at a frequency of 0.00018 in 248792 control chromosomes (gnomAD). c.4666G>A has been reported in the literature in the compound heterozygous state in an individual affected with spastic paraplegia and mild intellectual disability (Verdura_2021). This report does not provide unequivocal conclusions about association of the variant with PI4KA-Related Disorders. To our knowledge, no experimental evidence demonstrating an impact on protein function has been reported. The following publication has been ascertained in the context of this evaluation (PMID: 34415322). No clinical diagnostic laboratories have cited clinical-significance assessments for this variant to ClinVar after 2014. Based on the evidence outlined above, the variant was classified as uncertain significance.

Neurometabolic Diseases Laboratory, Bellvitge Biomedical Research Institute (IDIBELL)
Classification: Pathogenic for Spastic paraplegia 84, autosomal recessive. Last evaluated: 2023-04-27. Review status: criteria provided, single submitter. Criteria: ACMG Guidelines, 2015. Collection method: research. Allele origin: germline. Affected: yes.

OMIM
Classification: Pathogenic for SPASTIC PARAPLEGIA 84, AUTOSOMAL RECESSIVE. Last evaluated: 2022-09-28. Review status: no assertion criteria provided. Collection method: literature only. Allele origin: germline. Not counted in ClinVar's aggregate classification.

Literature cited by the submitters: PubMed 34415322 (cited by 3 submitters).

NM_058004.4(PI4KA):c.4666G>A (p.Val1556Met)

Gene: PI4KA (phosphatidylinositol 4-kinase alpha; minus strand). Cytogenetic location: 22q11.21.
Variant type: single nucleotide variant.
Coding change: c.4666G>A on transcript NM_058004.4 (MANE Select); coding-DNA position 4666, G replaced by A.
Protein change: p.Val1556Met; replaces valine 1556 with methionine.
Molecular consequence: missense variant.
Genome position (GRCh38, 1-based): chr22:20,729,329, C>T on the plus strand (G>A on the coding strand, the complement: PI4KA is on the minus strand). VCF-style: chr22-20729329-C-T. GRCh37 (hg19) VCF-style: chr22-21083617-C-T.
Other names: c.4573G>A, p.Val1525Met (NM_001362862.2); c.4600G>A, p.Val1534Met (NM_001362863.2); c.4666G>A (NM_058004.3); short protein forms V1556M, V1525M, V1534M.
Identifiers: ClinVar variation 1325876 (VCV001325876.31), dbSNP rs144363917, ClinGen allele CA10115010.